The following is an entry in ClinVar:

ClinVar aggregate classification (germline): Uncertain significance (1 of 4 stars; one submission).

Conditions:
Dilated cardiomyopathy 1JJ (CMD1JJ). Identifiers: Orphanet 154, MedGen C3808935, MONDO:0014095, OMIM 615235.

Allele frequency attached by ClinVar (database versions not stated): gnomAD exomes below 0.00001; ExAC 0.00001.

Submission:

Labcorp Genetics (formerly Invitae), Labcorp
Classification: Uncertain significance for Dilated cardiomyopathy 1JJ. Last evaluated: 2022-07-06. Review status: criteria provided, single submitter. Criteria: Invitae Variant Classification Sherloc (09022015). Collection method: clinical testing. Allele origin: germline.
Comment: In summary, the available evidence is currently insufficient to determine the role of this variant in disease. Therefore, it has been classified as a Variant of Uncertain Significance. ClinVar contains an entry for this variant (Variation ID: 846559). This variant has not been reported in the literature in individuals affected with LAMA4-related conditions. The frequency data for this variant in the population databases is considered unreliable, as metrics indicate poor data quality at this position in the gnomAD database. This sequence change creates a premature translational stop signal (p.Ser479*) in the LAMA4 gene. It is expected to result in an absent or disrupted protein product. However, the current clinical and genetic evidence is not sufficient to establish whether loss-of-function variants in LAMA4 cause disease.

NM_001105206.3(LAMA4):c.1457C>A (p.Ser486Ter)

Gene: LAMA4 (laminin subunit alpha 4; minus strand). Cytogenetic location: 6q21.
Variant type: single nucleotide variant.
Coding change: c.1457C>A on transcript NM_001105206.3 (MANE Select); coding-DNA position 1457, C replaced by A.
Protein change: p.Ser486Ter; replaces serine 486 with a stop codon.
Molecular consequence: nonsense.
Genome position (GRCh38, 1-based): chr6:112,172,705, G>T on the plus strand (C>A on the coding strand, the complement: LAMA4 is on the minus strand). VCF-style: chr6-112172705-G-T. GRCh37 (hg19) VCF-style: chr6-112493907-G-T.
Other names: c.1436C>A, p.Ser479Ter (NM_001105207.3, NM_002290.5); short protein forms S486*, S479*.
Identifiers: ClinVar variation 846559 (VCV000846559.7), dbSNP rs782657973, ClinGen allele CA3965767.